The following is an entry in ClinVar:

NM_024809.5(TCTN2):c.776A>G (p.Gln259Arg)

Gene: TCTN2 (tectonic family member 2; plus strand). Cytogenetic location: 12q24.31.
Variant type: single nucleotide variant.
Coding change: c.776A>G on transcript NM_024809.5 (MANE Select); coding-DNA position 776, A replaced by G.
Protein change: p.Gln259Arg; replaces glutamine 259 with arginine.
Molecular consequence: missense variant.
Genome position (GRCh38, 1-based): chr12:123,688,062, A>G. VCF-style: chr12-123688062-A-G. GRCh37 (hg19) VCF-style: chr12-124172609-A-G.
Other names: c.776A>G (NM_024809.3); c.773A>G, p.Gln258Arg (NM_001143850.3); short protein forms Q259R, Q258R.
Identifiers: ClinVar variation 307553 (VCV000307553.13), dbSNP rs151318349, ClinGen allele CA6861006.

ClinVar aggregate classification (germline): Conflicting classifications of pathogenicity. Review status: criteria provided, conflicting classifications (1 of 4 stars). 8 submissions from 7 submitters: Uncertain significance (6); Likely benign (2). Last evaluated 2024-11-22.

Conditions:
Inborn genetic diseases. Identifiers: MedGen C0950123, MeSH D030342.
Meckel syndrome, type 8. Identifiers: Orphanet 564, MedGen C3836857, MONDO:0013482, OMIM 613885.
Joubert syndrome 24 (JBTS24). Identifiers: Orphanet 475, MedGen C4084841, MONDO:0014724, OMIM 616654.
Meckel-Gruber syndrome. Also called: GRUBER SYNDROME; DYSENCEPHALIA SPLANCHNOCYSTICA; Dysencephalia splachnocystica. Identifiers: Orphanet 564, MedGen C0265215, MONDO:0018921.
Joubert syndrome. Also called: JOUBERT-BOLTSHAUSER SYNDROME; Familial aplasia of the vermis. Identifiers: Orphanet 475, MedGen C5979921, MONDO:0018772.

Allele frequency attached by ClinVar (database versions not stated): 1000 Genomes Project 0.00020; 1000 Genomes Project 30x 0.00031; ESP Exome Variant Server 0.00046; ExAC 0.00055; gnomAD exomes 0.00055 and 0.00116; gnomAD 0.00070; TOPMed 0.00073.
gnomAD v4.1: 1,794 of 1,614,132 alleles (0.11%); highest among the groups gnomAD compares: Non-Finnish European, 0.14%; 1 homozygote.

Submissions (8):

Blueprint Genetics
Classification: Likely benign. Last evaluated: 2024-11-22. Review status: criteria provided, single submitter. Criteria: ACMG Guidelines, 2015. Collection method: clinical testing. Allele origin: germline.

GeneDx
Classification: Uncertain significance. Last evaluated: 2024-10-16. Review status: criteria provided, single submitter. Criteria: GeneDx Variant Classification Process June 2021. Collection method: clinical testing. Allele origin: germline. Affected: yes.
Comment: In silico analysis indicates that this missense variant does not alter protein structure/function; Has not been previously published as pathogenic or benign to our knowledge; In silico analysis is inconclusive as to whether the variant alters gene splicing. In the absence of RNA/functional studies, the actual effect of this sequence change is unknown.

Fulgent Genetics
Classification: Uncertain significance for Meckel syndrome, type 8; Joubert syndrome 24. Last evaluated: 2024-04-23. Review status: criteria provided, single submitter. Criteria: ACMG Guidelines, 2015. Collection method: clinical testing. Allele origin: germline.

Labcorp Genetics (formerly Invitae), Labcorp
Classification: Uncertain significance for Joubert syndrome; Meckel-Gruber syndrome. Last evaluated: 2024-01-15. Review status: criteria provided, single submitter. Criteria: Invitae Variant Classification Sherloc (09022015). Collection method: clinical testing. Allele origin: germline.
Comment: This sequence change replaces glutamine, which is neutral and polar, with arginine, which is basic and polar, at codon 259 of the TCTN2 protein (p.Gln259Arg). This variant is present in population databases (rs151318349, gnomAD 0.1%), and has an allele count higher than expected for a pathogenic variant. This variant has not been reported in the literature in individuals affected with TCTN2-related conditions. ClinVar contains an entry for this variant (Variation ID: 307553). Advanced modeling of protein sequence and biophysical properties (such as structural, functional, and spatial information, amino acid conservation, physicochemical variation, residue mobility, and thermodynamic stability) performed at Invitae indicates that this missense variant is not expected to disrupt TCTN2 protein function with a negative predictive value of 80%. In summary, the available evidence is currently insufficient to determine the role of this variant in disease. Therefore, it has been classified as a Variant of Uncertain Significance.

Ambry Genetics
Classification: Likely benign for Inborn genetic diseases. Last evaluated: 2022-08-18. Review status: criteria provided, single submitter. Criteria: Ambry Variant Classification Scheme 2023. Collection method: clinical testing. Allele origin: germline.

Department of Pathology and Laboratory Medicine, Sinai Health System
Classification: Uncertain significance for Meckel syndrome, type 8; Joubert syndrome 24. Last evaluated: 2021-07-30. Review status: criteria provided, single submitter. Criteria: ACMG Guidelines, 2015. Collection method: research. Allele origin: germline.

Illumina Laboratory Services, Illumina
Classification: Uncertain significance for Joubert syndrome 24. Last evaluated: 2018-01-13. Review status: criteria provided, single submitter. Criteria: ICSL Variant Classification Criteria 13 December 2019. Collection method: clinical testing. Allele origin: germline.

Illumina Laboratory Services, Illumina
Classification: Uncertain significance for Meckel syndrome, type 8. Last evaluated: 2018-01-13. Review status: criteria provided, single submitter. Criteria: ICSL Variant Classification Criteria 13 December 2019. Collection method: clinical testing. Allele origin: germline.